The following is an entry in ClinVar:

ClinVar aggregate classification (germline): Uncertain significance. Review status: criteria provided, multiple submitters, no conflicts (2 of 4 stars). 2 submissions from 2 submitters: Uncertain significance (2). Last evaluated 2023-10-02.

Allele frequency attached by ClinVar (database versions not stated): gnomAD 0.00001; TOPMed 0.00001; gnomAD exomes 0.00003; ExAC 0.00004.
gnomAD v4.1: 51 of 1,612,100 alleles (0.0032%); highest among the groups gnomAD compares: Non-Finnish European, 0.0039%; no homozygotes.

Submissions (2):

Mayo Clinic Laboratories, Mayo Clinic
Classification: Uncertain significance. Last evaluated: 2023-10-02. Review status: criteria provided, single submitter. Criteria: ACMG Guidelines, 2015. Collection method: clinical testing. Allele origin: germline. Observed: 1 variant allele.
Comment: PP3, PM2_moderate

Women's Health and Genetics/Laboratory Corporation of America, LabCorp
Classification: Uncertain significance. Last evaluated: 2023-09-12. Review status: criteria provided, single submitter. Criteria: LabCorp Variant Classification Summary - May 2015. Collection method: clinical testing. Allele origin: germline.
Comment: Variant summary: F13B c.451+3A>G alters a non-conserved nucleotide located close to a canonical splice site and therefore could affect mRNA splicing, leading to a significantly altered protein sequence. Several computational tools predict a significant impact on normal splicing: One predicts the variant abolishes the canonical 5' splicing donor site and three predict the variant creates a new 5' donor site. However, these predictions have yet to be confirmed by functional studies. The variant allele was found at a frequency of 2e-05 in 250428 control chromosomes (gnomAD). The available data on variant occurrences in the general population are insufficient to allow any conclusion about variant significance. To our knowledge, no occurrence of c.451+3A>G in individuals affected with Factor XIII, B Subunit Deficiency and no experimental evidence demonstrating its impact on protein function have been reported. No submitters have cited clinical-significance assessments for this variant to ClinVar after 2014. Based on the evidence outlined above, the variant was classified as uncertain significance.

NM_001994.3(F13B):c.451+3A>G

Gene: F13B (coagulation factor XIII B chain; minus strand). Cytogenetic location: 1q31.3.
Variant type: single nucleotide variant.
Coding change: c.451+3A>G on transcript NM_001994.3 (MANE Select); 3 bases into the intron after coding-DNA position 451, A replaced by G.
Molecular consequence: intron variant.
Genome position (GRCh38, 1-based): chr1:197,061,781, T>C on the plus strand (A>G on the coding strand, the complement: F13B is on the minus strand). VCF-style: chr1-197061781-T-C. GRCh37 (hg19) VCF-style: chr1-197030911-T-C.
Other names: p.?.
Identifiers: ClinVar variation 2627205 (VCV002627205.2), dbSNP rs753953835, ClinGen allele CA1308585.